The following is an entry in ClinVar:

ClinVar aggregate classification (germline): Pathogenic/Likely pathogenic. Review status: criteria provided, multiple submitters, no conflicts (2 of 4 stars). 3 submissions from 3 submitters: Pathogenic (1); Likely pathogenic (1). 1 of the submissions does not count toward it. Last evaluated 2023-05-26.

Conditions:
Charlevoix-Saguenay spastic ataxia (SACS). Also called: AUTOSOMAL RECESSIVE SPASTIC ATAXIA OF CHARLEVOIX-SAGUENAY; SPASTIC ATAXIA 6, AUTOSOMAL RECESSIVE; Spastic ataxia of Charlevoix-Saguenay. Identifiers: Orphanet 98, MedGen C1849140, MONDO:0010041, OMIM 270550.
Spastic paraplegia. Identifiers: MedGen C0037772, HP:0001258.

Submissions (3):

Labcorp Genetics (formerly Invitae), Labcorp
Classification: Pathogenic for Spastic paraplegia. Last evaluated: 2023-05-26. Review status: criteria provided, single submitter. Criteria: Invitae Variant Classification Sherloc (09022015). Collection method: clinical testing. Allele origin: germline.
Comment: For these reasons, this variant has been classified as Pathogenic. This variant disrupts a region of the SACS protein in which other variant(s) (p.Tyr4538*) have been determined to be pathogenic (Invitae). This suggests that this is a clinically significant region of the protein, and that variants that disrupt it are likely to be disease-causing. ClinVar contains an entry for this variant (Variation ID: 371095). This variant has not been reported in the literature in individuals affected with SACS-related conditions. This variant is not present in population databases (gnomAD no frequency). This sequence change creates a premature translational stop signal (p.Gln3602*) in the SACS gene. While this is not anticipated to result in nonsense mediated decay, it is expected to disrupt the last 978 amino acid(s) of the SACS protein.

Baylor Genetics
Classification: Likely pathogenic for Charlevoix-Saguenay spastic ataxia. Last evaluated: 2023-04-24. Review status: criteria provided, single submitter. Criteria: ACMG Guidelines, 2015. Collection method: clinical testing. Allele origin: unknown.

Counsyl
Classification: Likely pathogenic for Charlevoix-Saguenay spastic ataxia. Last evaluated: 2016-06-27. Review status: no assertion criteria provided. Collection method: clinical testing. Allele origin: unknown. Not counted in ClinVar's aggregate classification.

NM_014363.6(SACS):c.10804C>T (p.Gln3602Ter)

Gene: SACS (sacsin molecular chaperone; minus strand). Cytogenetic location: 13q12.12.
Variant type: single nucleotide variant.
Coding change: c.10804C>T on transcript NM_014363.6 (MANE Select); coding-DNA position 10804, C replaced by T.
Protein change: p.Gln3602Ter; replaces glutamine 3602 with a stop codon.
Molecular consequence: nonsense.
Genome position (GRCh38, 1-based): chr13:23,333,072, G>A on the plus strand (C>T on the coding strand, the complement: SACS is on the minus strand). VCF-style: chr13-23333072-G-A. GRCh37 (hg19) VCF-style: chr13-23907211-G-A.
Other names: c.10363C>T, p.Gln3455Ter (NM_001278055.2); short protein forms Q3602*, Q3455*.
Identifiers: ClinVar variation 371095 (VCV000371095.11), dbSNP rs1057517002, ClinGen allele CA16041606.